The following is an entry in ClinVar:

NC_000015.9:g.(?_91358322)_(91358519_?)del

Gene: BLM (BLM RecQ like helicase; plus strand). Cytogenetic location: 15q26.1.
Variant type: Deletion.
Identifiers: ClinVar variation 1509727 (VCV001509727.6).

ClinVar aggregate classification (germline): Uncertain significance (1 of 4 stars; one submission).

Conditions:
Bloom syndrome (BLM). Also called: Bloom-Torre-Machacek syndrome. Identifiers: Orphanet 125, MedGen C0005859, MONDO:0008876, OMIM 210900.

Submission:

Labcorp Genetics (formerly Invitae), Labcorp
Classification: Uncertain significance for Bloom syndrome. Last evaluated: 2021-08-12. Review status: criteria provided, single submitter. Criteria: Invitae Variant Classification Sherloc (09022015). Collection method: clinical testing. Allele origin: germline.
Comment: This variant is a gross deletion of the genomic region encompassing exon(s) 22 of the BLM gene, which includes the termination codon. This deletion extends beyond the assayed region for this gene and therefore may encompass additional genes. While this deletion is not anticipated to lead to nonsense mediated decay, it is expected to alter mRNA translation or result in a truncated protein product. This variant has not been reported in the literature in individuals affected with BLM-related conditions. Experimental studies and prediction algorithms are not available or were not evaluated, and the functional significance of this variant is currently unknown. In summary, the available evidence is currently insufficient to determine the role of this variant in disease. Therefore, it has been classified as a Variant of Uncertain Significance.